The following is an entry in ClinVar:

ClinVar aggregate classification (germline): Pathogenic (1 of 4 stars; one submission).

Conditions:
DNA ligase IV deficiency. Identifiers: Orphanet 99812, MedGen C1847827, MONDO:0011686, OMIM 606593.

Submission:

Labcorp Genetics (formerly Invitae), Labcorp
Classification: Pathogenic for DNA ligase IV deficiency. Last evaluated: 2023-09-22. Review status: criteria provided, single submitter. Criteria: Invitae Variant Classification Sherloc (09022015). Collection method: clinical testing. Allele origin: germline.
Comment: This sequence change creates a premature translational stop signal (p.Phe754Leufs*18) in the LIG4 gene. While this is not anticipated to result in nonsense mediated decay, it is expected to disrupt the last 158 amino acid(s) of the LIG4 protein. This variant is not present in population databases (gnomAD no frequency). This variant has not been reported in the literature in individuals affected with LIG4-related conditions. This variant disrupts a region of the LIG4 protein in which other variant(s) (p.Gln904*) have been determined to be pathogenic (PMID: 34630384). This suggests that this is a clinically significant region of the protein, and that variants that disrupt it are likely to be disease-causing. For these reasons, this variant has been classified as Pathogenic.

Literature cited by the submitters: PubMed 34630384.

NM_206937.2(LIG4):c.2262del (p.Phe754fs)

Gene: LIG4 (DNA ligase 4; minus strand). Cytogenetic location: 13q33.3.
Variant type: Deletion.
Coding change: c.2262del on transcript NM_206937.2 (MANE Select); coding-DNA position 2262, one base deleted (T; older notation c.2262delT).
Protein change: p.Phe754fs; shifts the reading frame from phenylalanine 754.
Molecular consequence: frameshift variant.
Genome position (GRCh38, 1-based): chr13:108,209,007, A deleted on the plus strand (T on the coding strand, the reverse complement: LIG4 is on the minus strand); the first of 4 consecutive A bases (chr13:108,209,007-108,209,010); deleting any one gives the same sequence. VCF-style (leftmost placement, unchanged base first): chr13-108209006-CA-C. GRCh37 (hg19) VCF-style: chr13-108861354-CA-C.
Other names: c.2262del, p.Phe754fs (NM_001098268.2, NM_001352598.2, NM_001352599.2 and 6 more transcripts); c.2061del, p.Phe687fs (NM_001330595.2); c.2298del, p.Phe766fs (NM_001352604.2); short protein forms F687fs, F766fs, F754fs.
Identifiers: ClinVar variation 2791916 (VCV002791916.3), dbSNP rs2501582495, ClinGen allele CA2739277737.